The following is an entry in ClinVar:

ClinVar aggregate classification (germline): Uncertain significance (1 of 4 stars; one submission).

Conditions:
Episodic ataxia type 2 (EA2). Also called: ATAXIA, EPISODIC, WITH NYSTAGMUS; ATAXIA, FAMILIAL PAROXYSMAL; CEREBELLAR ATAXIA, PAROXYSMAL, ACETAZOLAMIDE-RESPONSIVE; CEREBELLOPATHY, HEREDITARY PAROXYSMAL; EPISODIC ATAXIA, NYSTAGMUS-ASSOCIATED; ACETAZOLAMIDE-RESPONSIVE HEREDITARY PAROXYSMAL CEREBELLAR ATAXIA. Identifiers: Orphanet 97, MedGen C1720416, MONDO:0007163, OMIM 108500.
Developmental and epileptic encephalopathy, 42 (DEE42A). Also called: DEVELOPMENTAL AND EPILEPTIC ENCEPHALOPATHY 42A; EPILEPTIC ENCEPHALOPATHY, EARLY INFANTILE, 42A; Epileptic encephalopathy, early infantile, 42. Identifiers: MedGen C4310716, MONDO:0014917, OMIM 617106.

Submission:

Labcorp Genetics (formerly Invitae), Labcorp
Classification: Uncertain significance for Developmental and epileptic encephalopathy, 42; Episodic ataxia type 2. Last evaluated: 2022-09-06. Review status: criteria provided, single submitter. Criteria: Invitae Variant Classification Sherloc (09022015). Collection method: clinical testing. Allele origin: germline.
Comment: This sequence change replaces aspartic acid, which is acidic and polar, with glutamic acid, which is acidic and polar, at codon 1634 of the CACNA1A protein (p.Asp1634Glu). In summary, the available evidence is currently insufficient to determine the role of this variant in disease. Therefore, it has been classified as a Variant of Uncertain Significance. Advanced modeling of protein sequence and biophysical properties (such as structural, functional, and spatial information, amino acid conservation, physicochemical variation, residue mobility, and thermodynamic stability) performed at Invitae indicates that this missense variant is expected to disrupt CACNA1A protein function. ClinVar contains an entry for this variant (Variation ID: 1374030). This variant has not been reported in the literature in individuals affected with CACNA1A-related conditions. This variant is not present in population databases (gnomAD no frequency).

NM_001127222.2(CACNA1A):c.4899C>G (p.Asp1633Glu)

Gene: CACNA1A (calcium voltage-gated channel subunit alpha1 A; minus strand). Cytogenetic location: 19p13.13.
Variant type: single nucleotide variant.
Coding change: c.4899C>G on transcript NM_001127222.2 (MANE Select); coding-DNA position 4899, C replaced by G.
Protein change: p.Asp1633Glu; replaces aspartic acid 1633 with glutamic acid.
Molecular consequence: missense variant.
Genome position (GRCh38, 1-based): chr19:13,245,233, G>C on the plus strand (C>G on the coding strand, the complement: CACNA1A is on the minus strand). VCF-style: chr19-13245233-G-C. GRCh37 (hg19) VCF-style: chr19-13356047-G-C.
Other names: c.4911C>G, p.Asp1637Glu (NM_000068.4, NM_023035.3); c.4902C>G, p.Asp1634Glu (NM_001127221.2, NM_001174080.2); short protein forms D1634E, D1637E, D1633E.
Identifiers: ClinVar variation 1374030 (VCV001374030.8), dbSNP rs2144692015, ClinGen allele CA404337964.